The following is an entry in ClinVar:

ClinVar aggregate classification (germline): Pathogenic (1 of 4 stars; one submission).

Conditions:
Familial cancer of breast. Also called: BREAST CANCER, FAMILIAL; Hereditary breast cancer; hereditary breast carcinoma. Identifiers: Orphanet 227535, MedGen C0346153, MONDO:0016419, OMIM 114480. Disease mechanism: loss of function.

Submission:

Myriad Genetics, Inc.
Classification: Pathogenic for Familial cancer of breast. Last evaluated: 2024-01-23. Review status: criteria provided, single submitter. Criteria: Myriad Autosomal Dominant, Autosomal Recessive and X-Linked Classification Criteria (2023). Collection method: clinical testing. Allele origin: unknown.
Comment: This variant is considered pathogenic. This variant creates a termination codon and is predicted to result in premature protein truncation.

NM_000051.4(ATM):c.3956_3957del (p.Val1318_Tyr1319insTer)

Gene: ATM (ATM serine/threonine kinase; plus strand). Cytogenetic location: 11q22.3.
Variant type: Deletion.
Coding change: c.3956_3957del on transcript NM_000051.4 (MANE Select); coding-DNA positions 3956 to 3957, 2 bases deleted (AT; older notation c.3956_3957delAT).
Protein change: p.Val1318_Tyr1319insTer.
Molecular consequence: nonsense.
Genome position (GRCh38, 1-based): chr11:108,284,436-108,284,437, AT deleted; deleting any 2 consecutive bases within chr11:108,284,435-108,284,437 gives the same sequence; the c. name uses the placement nearest the transcript's 3' end. VCF-style (leftmost placement, unchanged base first): chr11-108284434-CTA-C. GRCh37 (hg19) VCF-style: chr11-108155161-CTA-C.
Other names: c.3956_3957del, p.Val1318_Tyr1319insTer (NM_001351834.2).
Identifiers: ClinVar variation 3148816 (VCV003148816.1), dbSNP rs2546887923, ClinGen allele CA2825001693.
Genomic context (GRCh38, chr11:108,284,434, plus strand): 5'-TGCCTATGAGGGTACCAGAGACAGTGGGATGGCACAGCAAAGAGAGACTGCTACCAAGGT[CTA>C]TGATATGCTTAAAAGTGAAAACTTATTGGGAAAACAGGTATGGCTTCAATTTTTATGTAC-3'